The following is an entry in ClinVar:

NM_001365276.2(TNXB):c.8192C>A (p.Pro2731Gln)

Gene: TNXB (tenascin XB; minus strand). Cytogenetic location: 6p21.33.
Variant type: single nucleotide variant.
Coding change: c.8192C>A on transcript NM_001365276.2 (MANE Select); coding-DNA position 8192, C replaced by A.
Protein change: p.Pro2731Gln; replaces proline 2731 with glutamine.
Molecular consequence: missense variant.
Genome position (GRCh38, 1-based): chr6:32,056,126, G>T on the plus strand (C>A on the coding strand, the complement: TNXB is on the minus strand). VCF-style: chr6-32056126-G-T. GRCh37 (hg19) VCF-style: chr6-32023903-G-T.
Other names: c.8192C>A, p.Pro2731Gln (NM_019105.8); short protein forms P2731Q.
Identifiers: ClinVar variation 1762356 (VCV001762356.2), dbSNP rs440160, ClinGen allele CA363549535.
Genomic context (GRCh38, chr6:32,056,126, plus strand): 5'-GAGTCAGGGGAGGATCCTGTCACTGTCAGCTCCCCCAGGAGCGGCTCCTCAGGGGGCTCC[G>T]GGGCCTCAGTGCTGAGTTCCGTGGGGCTGGGGGTCTCTTCCTCTGCAGCTGAGAAAAGGA-3'
Protein context (NP_001352205.1, residues 2721-2741): PSPTELSTEA[Pro2731Gln]EPPEEPLLGE

ClinVar aggregate classification (germline): Uncertain significance (1 of 4 stars; one submission).

Conditions:
Cardiovascular phenotype. Identifiers: MedGen CN230736.

gnomAD v4.1: 2 of 1,612,478 alleles (0.00012%); highest among the groups gnomAD compares: African/African-American, 0.0027%; no homozygotes.

Submission:

Ambry Genetics
Classification: Uncertain significance for Cardiovascular phenotype. Last evaluated: 2022-01-12. Review status: criteria provided, single submitter. Criteria: Ambry Variant Classification Scheme 2023. Collection method: clinical testing. Allele origin: germline.
Comment: The p.P2731Q variant (also known as c.8192C>A), located in coding exon 23 of the TNXB gene, results from a C to A substitution at nucleotide position 8192. The proline at codon 2731 is replaced by glutamine, an amino acid with similar properties. This amino acid position is conserved. In addition, this alteration is predicted to be tolerated by in silico analysis. Since supporting evidence is limited at this time, the clinical significance of this alteration remains unclear.